The following is an entry in ClinVar:

NM_178822.5(IGSF10):c.325-3T>C

Gene: IGSF10 (immunoglobulin superfamily member 10; minus strand). Cytogenetic location: 3q25.1.
Variant type: single nucleotide variant.
Coding change: c.325-3T>C on transcript NM_178822.5 (MANE Select); 3 bases into the intron before coding-DNA position 325, T replaced by C.
Molecular consequence: intron variant.
Genome position (GRCh38, 1-based): chr3:151,453,777, A>G on the plus strand (T>C on the coding strand, the complement: IGSF10 is on the minus strand). VCF-style: chr3-151453777-A-G. GRCh37 (hg19) VCF-style: chr3-151171565-A-G.
Other names: c.325-3T>C (NM_001385061.1, NM_001385060.1, NM_001385062.1 and 1 more transcripts).
Identifiers: ClinVar variation 740303 (VCV000740303.10), dbSNP rs183699462, ClinGen allele CA2670787.

ClinVar aggregate classification (germline): Likely benign. Review status: criteria provided, single submitter (1 of 4 stars). 2 submissions from 2 submitters: Likely benign (1). 1 of the submissions does not count toward it. Last evaluated 2025-03-27.

Conditions:
IGSF10-related disorder. Also called: IGSF10-related condition.

Allele frequency attached by ClinVar (database versions not stated): ESP Exome Variant Server 0.00016; gnomAD exomes 0.00019 and 0.00039; gnomAD 0.00023 and 0.00024; ExAC 0.00038; TOPMed 0.00038; 1000 Genomes Project 30x 0.00047; 1000 Genomes Project 0.00060.
gnomAD v4.1: 294 of 1,471,368 alleles (0.02%); highest among the groups gnomAD compares: Admixed American, 0.17%; no homozygotes.

Submissions (2):

Labcorp Genetics (formerly Invitae), Labcorp
Classification: Likely benign. Last evaluated: 2025-03-27. Review status: criteria provided, single submitter. Criteria: Invitae Variant Classification Sherloc (09022015). Collection method: clinical testing. Allele origin: germline.

PreventionGenetics, part of Exact Sciences
Classification: Likely benign for IGSF10-related condition. Last evaluated: 2019-03-13. Review status: no assertion criteria provided. Collection method: clinical testing. Allele origin: germline. Not counted in ClinVar's aggregate classification.
Comment: This variant is classified as likely benign based on ACMG/AMP sequence variant interpretation guidelines (Richards et al. 2015 PMID: 25741868, with internal and published modifications).